The following is an entry in ClinVar:

NM_001572.5(IRF7):c.977C>G (p.Pro326Arg)

Gene: IRF7 (interferon regulatory factor 7; minus strand). Cytogenetic location: 11p15.5.
Variant type: single nucleotide variant.
Coding change: c.977C>G on transcript NM_001572.5 (MANE Select); coding-DNA position 977, C replaced by G.
Protein change: p.Pro326Arg; replaces proline 326 with arginine.
Molecular consequence: missense variant.
Genome position (GRCh38, 1-based): chr11:613,466, G>C on the plus strand (C>G on the coding strand, the complement: IRF7 is on the minus strand). VCF-style: chr11-613466-G-C. GRCh37 (hg19) VCF-style: chr11-613466-G-C.
Other names: c.890C>G, p.Pro297Arg (NM_004029.4); c.1016C>G, p.Pro339Arg (NM_004031.4); short protein forms P297R, P339R, P326R.
Identifiers: ClinVar variation 1042881 (VCV001042881.8), dbSNP rs1856569351, ClinGen allele CA378979291.

ClinVar aggregate classification (germline): Uncertain significance (1 of 4 stars; one submission).

Conditions:
Immunodeficiency 39 (IMD39). Identifiers: Orphanet 574918, MedGen C4225358, MONDO:0014597, OMIM 616345.

Submission:

Labcorp Genetics (formerly Invitae), Labcorp
Classification: Uncertain significance for Immunodeficiency 39. Last evaluated: 2025-12-03. Review status: criteria provided, single submitter. Criteria: Invitae Variant Classification Sherloc (09022015). Collection method: clinical testing. Allele origin: germline.
Comment: This sequence change replaces proline, which is neutral and non-polar, with arginine, which is basic and polar, at codon 339 of the IRF7 protein (p.Pro339Arg). This variant is not present in population databases (gnomAD no frequency). This variant has not been reported in the literature in individuals affected with IRF7-related conditions. ClinVar contains an entry for this variant (Variation ID: 1042881). Invitae Evidence Modeling of protein sequence and biophysical properties (such as structural, functional, and spatial information, amino acid conservation, physicochemical variation, residue mobility, and thermodynamic stability) indicates that this missense variant is not expected to disrupt IRF7 protein function with a negative predictive value of 80%. In summary, the available evidence is currently insufficient to determine the role of this variant in disease. Therefore, it has been classified as a Variant of Uncertain Significance.